The following is an entry in ClinVar:

ClinVar aggregate classification (germline): Uncertain significance (1 of 4 stars; one submission).

gnomAD v4.1: 7 of 1,614,092 alleles (0.00043%); highest among the groups gnomAD compares: Non-Finnish European, 0.00059%; no homozygotes.

Submission:

Ambry Genetics
Classification: Uncertain significance. Last evaluated: 2025-03-31. Review status: criteria provided, single submitter. Criteria: Ambry Variant Classification Scheme 2023. Collection method: clinical testing. Allele origin: germline.
Comment: The p.E755D variant (also known as c.2265G>C), located in coding exon 1 of the MLH3 gene, results from a G to C substitution at nucleotide position 2265. The glutamic acid at codon 755 is replaced by aspartic acid, an amino acid with highly similar properties. This amino acid position is conserved. In addition, this alteration is predicted to be tolerated by in silico analysis. Based on the available evidence, the clinical significance of this variant remains unclear.

NM_001040108.2(MLH3):c.2265G>C (p.Glu755Asp)

Gene: MLH3 (mutL homolog 3; minus strand). Cytogenetic location: 14q24.3.
Variant type: single nucleotide variant.
Coding change: c.2265G>C on transcript NM_001040108.2 (MANE Select); coding-DNA position 2265, G replaced by C.
Protein change: p.Glu755Asp; replaces glutamic acid 755 with aspartic acid.
Molecular consequence: missense variant.
Genome position (GRCh38, 1-based): chr14:75,047,391, C>G on the plus strand (G>C on the coding strand, the complement: MLH3 is on the minus strand). VCF-style: chr14-75047391-C-G. GRCh37 (hg19) VCF-style: chr14-75514094-C-G.
Other names: c.2265G>C, p.Glu755Asp (NM_014381.3); short protein forms E755D.
Identifiers: ClinVar variation 4055470 (VCV004055470.1).